The following is an entry in ClinVar:

NM_001046.3(SLC12A2):c.2387G>A (p.Gly796Asp)

Gene: SLC12A2 (solute carrier family 12 member 2; plus strand). Cytogenetic location: 5q23.3.
Variant type: single nucleotide variant.
Coding change: c.2387G>A on transcript NM_001046.3 (MANE Select); coding-DNA position 2387, G replaced by A.
Protein change: p.Gly796Asp; replaces glycine 796 with aspartic acid.
Molecular consequence: missense variant. On other transcripts: non-coding transcript variant (1).
Genome position (GRCh38, 1-based): chr5:128,158,076, G>A. VCF-style: chr5-128158076-G-A. GRCh37 (hg19) VCF-style: chr5-127493768-G-A.
Other names: c.2387G>A, p.Gly796Asp (NM_001256461.2); short protein forms G796D.
Identifiers: ClinVar variation 1711609 (VCV001711609.30), dbSNP rs2479429353, ClinGen allele CA360750423.

ClinVar aggregate classification (germline): Uncertain significance (1 of 4 stars; one submission).

Allele frequency attached by ClinVar (database versions not stated): gnomAD exomes below 0.00001.
gnomAD v4.1: 3 of 1,613,230 alleles (0.00019%); highest among the groups gnomAD compares: Non-Finnish European, 0.00025%; no homozygotes.

Submission:

CeGaT Center for Human Genetics Tuebingen
Classification: Uncertain significance. Last evaluated: 2022-08-01. Review status: criteria provided, single submitter. Criteria: CeGaT Center For Human Genetics Tuebingen Variant Classification Criteria Version 2. Collection method: clinical testing. Allele origin: germline. Affected: yes. Observed: 1 variant allele.
Comment: SLC12A2: PM2, PP3